The following is an entry in ClinVar:

ClinVar aggregate classification (germline): Likely pathogenic (1 of 4 stars; one submission).

Conditions:
Pituitary adenoma 5, multiple types. Identifiers: MedGen C4539685, MONDO:0054601, OMIM 617540.
Autosomal recessive nonsyndromic hearing loss 12. Also called: DEAFNESS, AUTOSOMAL RECESSIVE 12. Identifiers: Orphanet 90636, MedGen C1832394, MONDO:0011067, OMIM 601386.
Usher syndrome type 1D (USH1D). Also called: USHER SYNDROME, TYPE ID. Identifiers: Orphanet 231169, Orphanet 886, MedGen C1832845, MONDO:0010984, OMIM 601067.

Submission:

Juno Genomics, Hangzhou Juno Genomics, Inc
Classification: Likely pathogenic for Pituitary adenoma 5, multiple types; Autosomal recessive nonsyndromic hearing loss 12; Usher syndrome type 1D. Review status: criteria provided, single submitter. Criteria: ACMG Guidelines, 2015. Collection method: clinical testing. Allele origin: germline.
Comment: Null variant in a gene where loss of function (LOF) is a known mechanism of disease.;Absent from controls (or at extremely low frequency if recessive) in Genome Aggregation Database.

NM_022124.6(CDH23):c.3939dup (p.Ser1314fs)

Genes: C10orf105 (chromosome 10 open reading frame 105; minus strand), CDH23 (cadherin related 23; plus strand). Cytogenetic location: 10q22.1.
Variant type: Duplication.
Coding change: c.3939dup on transcript NM_022124.6 (MANE Select); coding-DNA position 3939, one base duplicated (C; older notation c.3939dupC).
Protein change: p.Ser1314fs; shifts the reading frame from serine 1314.
Molecular consequence: frameshift variant. On other transcripts: intron variant (1).
Genome position (GRCh38, 1-based): chr10:71,732,210, C duplicated. VCF-style (leftmost placement, unchanged base first): chr10-71732209-T-TC. GRCh37 (hg19) VCF-style: chr10-73491966-T-TC.
Other names: c.3939dup, p.Ser1314fs (NM_001171930.2); c.-6+5518dup (NM_001168390.2); short protein forms S1314fs.
Identifiers: ClinVar variation 5007736 (VCV005007736.2).